The following is an entry in ClinVar:

ClinVar aggregate classification (germline): Conflicting classifications of pathogenicity. Review status: criteria provided, conflicting classifications (1 of 4 stars). 2 submissions from 2 submitters: Pathogenic (1); Uncertain significance (1). Last evaluated 2025-06-04.

Conditions:
RYR1-related disorder. Also called: RYR1-related condition; RYR1-related disorders. Identifiers: MedGen CN239331.
Malignant hyperthermia, susceptibility to, 1 (MHS1). Also called: RYR1-Related Malignant Hyperthermia Susceptibility; Anesthesia related hyperthermia; Malignant hyperpyrexia; Fulminating hyperpyrexia; Pharmacogenic myopathy; Malignant hyperthermia suceptibility 1. Identifiers: Orphanet 423, MedGen C2930980, MONDO:0007783, OMIM 145600.

Submissions (2):

Labcorp Genetics (formerly Invitae), Labcorp
Classification: Pathogenic for RYR1-related disorder. Last evaluated: 2025-06-04. Review status: criteria provided, single submitter. Criteria: Invitae Variant Classification Sherloc (09022015). Collection method: clinical testing. Allele origin: germline.
Comment: This sequence change creates a premature translational stop signal (p.Leu292Hisfs*10) in the RYR1 gene. It is expected to result in an absent or disrupted protein product. Loss-of-function variants in RYR1 are known to be pathogenic (PMID: 23919265, 25960145, 28818389, 30611313). This variant is not present in population databases (gnomAD no frequency). This variant has not been reported in the literature in individuals affected with RYR1-related conditions. ClinVar contains an entry for this variant (Variation ID: 3069248). For these reasons, this variant has been classified as Pathogenic.

All of Us Research Program, National Institutes of Health
Classification: Uncertain significance for Malignant hyperthermia, susceptibility to, 1. Last evaluated: 2023-05-15. Review status: criteria provided, single submitter. Criteria: ACMG Guidelines, 2015. Collection method: clinical testing. Allele origin: germline. Inheritance: Autosomal dominant inheritance. Observed: 1 variant allele, 1 heterozygote.
Comment: This variant deletes 2 nucleotides in exon 10 of the RYR1 gene, creating a frameshift and premature translation stop signal. This variant is expected to result in an absent or non-functional protein product. To our knowledge, this variant has not been reported in individuals affected with malignant hyperthermia in the literature. This variant has not been identified in the general population by the Genome Aggregation Database (gnomAD). Loss of RYR1 function due to truncation variants is not an established disease mechanism for autosomal dominant malignant hyperthermia. The available evidence is insufficient to determine the role of this variant in disease conclusively. Therefore, this variant is classified as a Variant of Uncertain Significance for autosomal dominant malignant hyperthermia.

This study involves interpretation of variants in research participants for the purpose of population health screening. Participant phenotype was not available at the time of variant classification. Additional details can be found in publication PMID: 35346344, PMCID: PMC8962531

Literature cited by the submitters: PubMed 23919265 (cited by Labcorp Genetics (formerly Invitae), Labcorp); PubMed 25960145 (cited by Labcorp Genetics (formerly Invitae), Labcorp); PubMed 28818389 (cited by Labcorp Genetics (formerly Invitae), Labcorp); PubMed 30611313 (cited by Labcorp Genetics (formerly Invitae), Labcorp).

NM_000540.3(RYR1):c.873_874del (p.Leu292fs)

Gene: RYR1 (ryanodine receptor 1; plus strand). Cytogenetic location: 19q13.2.
Variant type: Microsatellite.
Coding change: c.873_874del on transcript NM_000540.3 (MANE Select); coding-DNA positions 873 to 874, 2 bases deleted (GC; older notation c.873_874delGC).
Protein change: p.Leu292fs; shifts the reading frame from leucine 292.
Molecular consequence: frameshift variant.
Genome position (GRCh38, 1-based): chr19:38,448,427-38,448,428, GC deleted; deleting any 2 consecutive bases within chr19:38,448,425-38,448,428 gives the same sequence; the c. name uses the placement nearest the transcript's 3' end. VCF-style (leftmost placement, unchanged base first): chr19-38448424-AGC-A. GRCh37 (hg19) VCF-style: chr19-38939064-AGC-A.
Other names: c.873_874del, p.Leu292fs (NM_001042723.2); short protein forms L292fs.
Identifiers: ClinVar variation 3069248 (VCV003069248.2), dbSNP rs2513994983, ClinGen allele CA2825002764.
Genomic context (GRCh38, chr19:38,448,424, plus strand): 5'-GAGCCACCTGCGCTGGGGCCAGCCACTCCGAGTCCGGCATGTCACTACCGGGCAGTACCT[AGC>A]GCTCACCGAGGACCAGGGCCTGGTGGTGGTTGACGCCAGCAAGGCTCACACCAAGGCTAC-3'